The following is an entry in ClinVar:

NM_007217.4(PDCD10):c.574G>A (p.Val192Ile)

Gene: PDCD10 (programmed cell death 10; minus strand). Cytogenetic location: 3q26.1.
Variant type: single nucleotide variant.
Coding change: c.574G>A on transcript NM_007217.4 (MANE Select); coding-DNA position 574, G replaced by A.
Protein change: p.Val192Ile; replaces valine 192 with isoleucine.
Molecular consequence: missense variant.
Genome position (GRCh38, 1-based): chr3:167,684,373, C>T on the plus strand (G>A on the coding strand, the complement: PDCD10 is on the minus strand). VCF-style: chr3-167684373-C-T. GRCh37 (hg19) VCF-style: chr3-167402161-C-T.
Other names: p.Val192Ile; c.574G>A, p.Val192Ile (NM_145859.2, NM_145860.2); c.574G>A (NM_145859.1); short protein forms V192I.
Identifiers: ClinVar variation 344108 (VCV000344108.20), dbSNP rs151267430, ClinGen allele CA2694506.

ClinVar aggregate classification (germline): Conflicting classifications of pathogenicity. Review status: criteria provided, conflicting classifications (1 of 4 stars). 6 submissions from 6 submitters: Uncertain significance (1); Likely benign (4). 1 of the submissions does not count toward it. Last evaluated 2026-01-19.

Conditions:
PDCD10-related disorder. Also called: PDCD10-related condition.
Cerebral cavernous malformation 3. Also called: Familial Cerebral Cavernous Malformation 3. Identifiers: Orphanet 221061, MedGen C1864040, MONDO:0011305, OMIM 603285.

Allele frequency attached by ClinVar (database versions not stated): ExAC 0.00043; TOPMed 0.00057; gnomAD 0.00061; ESP Exome Variant Server 0.00092.
gnomAD v4.1: 1,051 of 1,597,720 alleles (0.066%); highest among the groups gnomAD compares: Non-Finnish European, 0.085%; no homozygotes.

Submissions (6):

Labcorp Genetics (formerly Invitae), Labcorp
Classification: Likely benign for Cerebral cavernous malformation 3. Last evaluated: 2026-01-19. Review status: criteria provided, single submitter. Criteria: Invitae Variant Classification Sherloc (09022015). Collection method: clinical testing. Allele origin: germline.

Mayo Clinic Laboratories, Mayo Clinic
Classification: Likely benign. Last evaluated: 2025-04-28. Review status: criteria provided, single submitter. Criteria: ACMG Guidelines, 2015. Collection method: clinical testing. Allele origin: germline. Observed: 1 variant allele.
Comment: BS1, BP4_moderate

ARUP Laboratories, Molecular Genetics and Genomics, ARUP Laboratories
Classification: Likely benign for Cerebral cavernous malformation 3. Last evaluated: 2025-01-02. Review status: criteria provided, single submitter. Criteria: ARUP Molecular Germline Variant Investigation Process 2024. Collection method: clinical testing. Allele origin: germline.

Blueprint Genetics
Classification: Likely benign. Last evaluated: 2024-10-04. Review status: criteria provided, single submitter. Criteria: ACMG Guidelines, 2015. Collection method: clinical testing. Allele origin: germline.

Department of Pathology and Laboratory Medicine, Sinai Health System
Classification: Uncertain significance for Cerebral cavernous malformation 3. Last evaluated: 2021-07-30. Review status: criteria provided, single submitter. Criteria: ACMG Guidelines, 2015. Collection method: research. Allele origin: germline.

PreventionGenetics, part of Exact Sciences
Classification: Likely benign for PDCD10-related condition. Last evaluated: 2022-02-22. Review status: no assertion criteria provided. Collection method: clinical testing. Allele origin: germline. Not counted in ClinVar's aggregate classification.
Comment: This variant is classified as likely benign based on ACMG/AMP sequence variant interpretation guidelines (Richards et al. 2015 PMID: 25741868, with internal and published modifications).